The following is an entry in ClinVar:

ClinVar aggregate classification (germline): Uncertain significance (1 of 4 stars; one submission).

gnomAD v4.1: 1 of 1,613,872 alleles (0.000062%); highest among the groups gnomAD compares: Non-Finnish European, 0.000085%; no homozygotes.

Submission:

Labcorp Genetics (formerly Invitae), Labcorp
Classification: Uncertain significance. Last evaluated: 2025-11-11. Review status: criteria provided, single submitter. Criteria: Invitae Variant Classification Sherloc (09022015). Collection method: clinical testing. Allele origin: germline.
Comment: This sequence change replaces histidine, which is basic and polar, with glutamine, which is neutral and polar, at codon 289 of the TNFAIP3 protein (p.His289Gln). This variant is present in population databases (no rsID available, gnomAD 0.0009%). This variant has not been reported in the literature in individuals affected with TNFAIP3-related conditions. Invitae Evidence Modeling of protein sequence and biophysical properties (such as structural, functional, and spatial information, amino acid conservation, physicochemical variation, residue mobility, and thermodynamic stability) indicates that this missense variant is not expected to disrupt TNFAIP3 protein function with a negative predictive value of 80%. In summary, the available evidence is currently insufficient to determine the role of this variant in disease. Therefore, it has been classified as a Variant of Uncertain Significance.

NM_001270508.2(TNFAIP3):c.867C>G (p.His289Gln)

Gene: TNFAIP3 (TNF alpha induced protein 3; plus strand). Cytogenetic location: 6q23.3.
Variant type: single nucleotide variant.
Coding change: c.867C>G on transcript NM_001270508.2 (MANE Select); coding-DNA position 867, C replaced by G.
Protein change: p.His289Gln; replaces histidine 289 with glutamine.
Molecular consequence: missense variant.
Genome position (GRCh38, 1-based): chr6:137,877,137, C>G. VCF-style: chr6-137877137-C-G. GRCh37 (hg19) VCF-style: chr6-138198274-C-G.
Other names: c.867C>G, p.His289Gln (NM_001270507.2, NM_006290.4); short protein forms H289Q.
Identifiers: ClinVar variation 4700924 (VCV004700924.1).